The following is an entry in ClinVar:

NM_023067.4(FOXL2):c.644A>G (p.Tyr215Cys)

Gene: FOXL2 (forkhead box L2; minus strand). Cytogenetic location: 3q22.3.
Variant type: single nucleotide variant.
Coding change: c.644A>G on transcript NM_023067.4 (MANE Select); coding-DNA position 644, A replaced by G.
Protein change: p.Tyr215Cys; replaces tyrosine 215 with cysteine.
Molecular consequence: missense variant.
Genome position (GRCh38, 1-based): chr3:138,946,079, T>C on the plus strand (A>G on the coding strand, the complement: FOXL2 is on the minus strand). VCF-style: chr3-138946079-T-C. GRCh37 (hg19) VCF-style: chr3-138664921-T-C.
Other names: short protein forms Y215C.
Identifiers: ClinVar variation 369919 (VCV000369919.10), dbSNP rs1057516168, ClinGen allele CA10654876.

ClinVar aggregate classification (germline): Pathogenic/Likely pathogenic. Review status: criteria provided, multiple submitters, no conflicts (2 of 4 stars). 4 submissions from 4 submitters: Pathogenic (3); Likely pathogenic (1). Last evaluated 2023-10-11.

Conditions:
FOXL2-related disorder. Also called: FOXL2-related condition.
Blepharophimosis, ptosis, and epicanthus inversus syndrome. Identifiers: Orphanet 126, MedGen C0220663, MONDO:0007201, OMIM 110100.

Submissions (4):

PreventionGenetics, part of Exact Sciences
Classification: Pathogenic for FOXL2-related condition. Last evaluated: 2023-10-11. Review status: criteria provided, single submitter. Criteria: ACMG Guidelines, 2015. Collection method: clinical testing. Allele origin: germline.
Comment: The FOXL2 c.644A>G variant is predicted to result in the amino acid substitution p.Tyr215Cys. This variant has been reported as segregating with disease in a five generation kindred with blepharophimosis-ptosis-epicanthus inversus syndrome (Kumar et al. 2004. PubMed ID: 15257268). This variant has also been reported in a sporadic case of BPES (Wang et al. 2022. PubMed ID: 36338666). A functional study using protein expression in cell culture found that the p.Tyr215Cys substitution causes protein aggregation (Dipietromaria et al. 2009. PubMed ID: 19515849). This variant has not been reported in a large population database, indicating this variant is rare. Given all the evidence, we interpret this variant as pathogenic.

Centro Nacional de Genética Medica, Administración Nacional de Laboratorios e Institutos de Salud (ANLIS) “Dr. Carlos G Malbrán”
Classification: Likely pathogenic. Last evaluated: 2022-02-02. Review status: criteria provided, single submitter. Criteria: ACMG Guidelines, 2015. Collection method: clinical testing. Allele origin: germline. Affected: yes.

GeneDx
Classification: Pathogenic. Last evaluated: 2019-12-13. Review status: criteria provided, single submitter. Criteria: GeneDx Variant Classification Process June 2021. Collection method: clinical testing. Allele origin: germline. Affected: yes.
Comment: Not observed in large population cohorts (Lek et al., 2016); In silico analysis, which includes protein predictors and evolutionary conservation, supports a deleterious effect; This variant is associated with the following publications: (PMID: 18604817, 22312189, 30029625, 19515849, 15257268, 18484667, 27283035, 30234390)

Genomic Diagnostic Laboratory, Division of Genomic Diagnostics, Children's Hospital of Philadelphia
Classification: Pathogenic for Blepharophimosis, ptosis, and epicanthus inversus syndrome. Last evaluated: 2016-11-03. Review status: criteria provided, single submitter. Criteria: DGD Variant Analysis Guidelines. Collection method: clinical testing. Allele origin: germline. Affected: yes. Observed: 4 variant alleles.
Comment: Clinical Testing